The following is an entry in ClinVar:

NM_144573.4(NEXN):c.1400T>C (p.Ile467Thr)

Gene: NEXN (nexilin F-actin binding protein; plus strand). Cytogenetic location: 1p31.1.
Variant type: single nucleotide variant.
Coding change: c.1400T>C on transcript NM_144573.4 (MANE Select); coding-DNA position 1400, T replaced by C.
Protein change: p.Ile467Thr; replaces isoleucine 467 with threonine.
Molecular consequence: missense variant.
Genome position (GRCh38, 1-based): chr1:77,935,971, T>C. VCF-style: chr1-77935971-T-C. GRCh37 (hg19) VCF-style: chr1-78401656-T-C.
Other names: c.1208T>C, p.Ile403Thr (NM_001172309.2); short protein forms I467T, I403T.
Identifiers: ClinVar variation 222753 (VCV000222753.8), dbSNP rs370195451, ClinGen allele CA076791.

ClinVar aggregate classification (germline): Uncertain significance. Review status: criteria provided, multiple submitters, no conflicts (2 of 4 stars). 2 submissions from 2 submitters: Uncertain significance (2). Last evaluated 2025-12-15.

Conditions:
Cardiovascular phenotype. Identifiers: MedGen CN230736.

Allele frequency attached by ClinVar (database versions not stated): ExAC 0.00001; gnomAD 0.00002; gnomAD exomes 0.00002 and 0.00003; TOPMed 0.00004; ESP Exome Variant Server 0.00009.
gnomAD v4.1: 49 of 1,613,570 alleles (0.003%); highest among the groups gnomAD compares: Non-Finnish European, 0.0037%; no homozygotes.

Submissions (2):

Ambry Genetics
Classification: Uncertain significance for Cardiovascular phenotype. Last evaluated: 2025-12-15. Review status: criteria provided, single submitter. Criteria: Ambry Variant Classification Scheme 2023. Collection method: clinical testing. Allele origin: germline.
Comment: The p.I467T variant (also known as c.1400T>C), located in coding exon 10 of the NEXN gene, results from a T to C substitution at nucleotide position 1400. The isoleucine at codon 467 is replaced by threonine, an amino acid with similar properties. This amino acid position is highly conserved in available vertebrate species. In addition, the in silico prediction for this alteration is inconclusive. Based on the available evidence, the clinical significance of this variant remains unclear.

Blueprint Genetics
Classification: Uncertain significance. Last evaluated: 2022-08-17. Review status: criteria provided, single submitter. Criteria: ACMG Guidelines, 2015. Collection method: clinical testing. Allele origin: germline.